The following is an entry in ClinVar:

NM_004655.4(AXIN2):c.1085T>A (p.Met362Lys)

Gene: AXIN2 (axin 2; minus strand). Cytogenetic location: 17q24.1.
Variant type: single nucleotide variant.
Coding change: c.1085T>A on transcript NM_004655.4 (MANE Select); coding-DNA position 1085, T replaced by A.
Protein change: p.Met362Lys; replaces methionine 362 with lysine.
Molecular consequence: missense variant.
Genome position (GRCh38, 1-based): chr17:65,538,318, A>T on the plus strand (T>A on the coding strand, the complement: AXIN2 is on the minus strand). VCF-style: chr17-65538318-A-T. GRCh37 (hg19) VCF-style: chr17-63534436-A-T.
Other names: c.1085T>A (NM_004655.3); c.1085T>A, p.Met362Lys (NM_001363813.1); short protein forms M362K.
Identifiers: ClinVar variation 1461731 (VCV001461731.7), dbSNP rs2144478486, ClinGen allele CA400678546.

ClinVar aggregate classification (germline): Uncertain significance. Review status: criteria provided, multiple submitters, no conflicts (2 of 4 stars). 2 submissions from 2 submitters: Uncertain significance (2). Last evaluated 2023-05-23.

Conditions:
Hereditary cancer-predisposing syndrome. Also called: Tumor predisposition; Hereditary neoplastic syndrome; Hereditary Cancer Syndrome; Neoplastic Syndromes, Hereditary. Identifiers: Orphanet 140162, MedGen C0027672, MeSH D009386, MONDO:0015356.
Oligodontia-cancer predisposition syndrome. Also called: TOOTH AGENESIS-COLORECTAL CANCER SYNDROME. Identifiers: Orphanet 300576, MedGen C1837750, MONDO:0012075, OMIM 608615. Disease mechanism: loss of function.

Submissions (2):

Ambry Genetics
Classification: Uncertain significance for Hereditary cancer-predisposing syndrome. Last evaluated: 2023-05-23. Review status: criteria provided, single submitter. Criteria: Ambry Variant Classification Scheme 2023. Collection method: clinical testing. Allele origin: germline.
Comment: The p.M362K variant (also known as c.1085T>A), located in coding exon 4 of the AXIN2 gene, results from a T to A substitution at nucleotide position 1085. The methionine at codon 362 is replaced by lysine, an amino acid with similar properties. This amino acid position is highly conserved in available vertebrate species. In addition, the in silico prediction for this alteration is inconclusive. Since supporting evidence is limited at this time, the clinical significance of this alteration remains unclear.

Labcorp Genetics (formerly Invitae), Labcorp
Classification: Uncertain significance for Oligodontia-cancer predisposition syndrome. Last evaluated: 2023-03-16. Review status: criteria provided, single submitter. Criteria: Invitae Variant Classification Sherloc (09022015). Collection method: clinical testing. Allele origin: germline.
Comment: In summary, the available evidence is currently insufficient to determine the role of this variant in disease. Therefore, it has been classified as a Variant of Uncertain Significance. Advanced modeling of protein sequence and biophysical properties (such as structural, functional, and spatial information, amino acid conservation, physicochemical variation, residue mobility, and thermodynamic stability) has been performed at Invitae for this missense variant, however the output from this modeling did not meet the statistical confidence thresholds required to predict the impact of this variant on AXIN2 protein function. ClinVar contains an entry for this variant (Variation ID: 1461731). This variant has not been reported in the literature in individuals affected with AXIN2-related conditions. This variant is not present in population databases (gnomAD no frequency). This sequence change replaces methionine, which is neutral and non-polar, with lysine, which is basic and polar, at codon 362 of the AXIN2 protein (p.Met362Lys).